The following is an entry in ClinVar:

NM_000051.4(ATM):c.673A>C (p.Ser225Arg)

Gene: ATM (ATM serine/threonine kinase; plus strand). Cytogenetic location: 11q22.3.
Variant type: single nucleotide variant.
Coding change: c.673A>C on transcript NM_000051.4 (MANE Select); coding-DNA position 673, A replaced by C.
Protein change: p.Ser225Arg; replaces serine 225 with arginine.
Molecular consequence: missense variant.
Genome position (GRCh38, 1-based): chr11:108,244,798, A>C. VCF-style: chr11-108244798-A-C. GRCh37 (hg19) VCF-style: chr11-108115525-A-C.
Other names: c.673A>C, p.Ser225Arg (NM_001351834.2); short protein forms S225R.
Identifiers: ClinVar variation 1002472 (VCV001002472.10), dbSNP rs2079753846, ClinGen allele CA382528964.

ClinVar aggregate classification (germline): Uncertain significance (1 of 4 stars; one submission).

Conditions:
Ataxia-telangiectasia syndrome (AT). Also called: Ataxia-telangiectasia, complementation group D; AT, COMPLEMENTATION GROUP C; ATAXIA-TELANGIECTASIA, COMPLEMENTATION GROUP A; ATAXIA-TELANGIECTASIA, FRESNO VARIANT; Ataxia-telangiectasia; Cerebello-oculocutaneous telangiectasia. Identifiers: Orphanet 100, MedGen C0004135, MONDO:0008840, OMIM 208900.

Submission:

Labcorp Genetics (formerly Invitae), Labcorp
Classification: Uncertain significance for Ataxia-telangiectasia syndrome. Last evaluated: 2022-02-19. Review status: criteria provided, single submitter. Criteria: Invitae Variant Classification Sherloc (09022015). Collection method: clinical testing. Allele origin: germline.
Comment: This sequence change replaces serine, which is neutral and polar, with arginine, which is basic and polar, at codon 225 of the ATM protein (p.Ser225Arg). This variant is not present in population databases (gnomAD no frequency). This variant has not been reported in the literature in individuals affected with ATM-related conditions. ClinVar contains an entry for this variant (Variation ID: 1002472). Advanced modeling of protein sequence and biophysical properties (such as structural, functional, and spatial information, amino acid conservation, physicochemical variation, residue mobility, and thermodynamic stability) performed at Invitae indicates that this missense variant is not expected to disrupt ATM protein function. In summary, the available evidence is currently insufficient to determine the role of this variant in disease. Therefore, it has been classified as a Variant of Uncertain Significance.